The following is an entry in ClinVar:

ClinVar aggregate classification (germline): Uncertain significance. Review status: criteria provided, multiple submitters, no conflicts (2 of 4 stars). 2 submissions from 2 submitters: Uncertain significance (2). Last evaluated 2023-04-03.

Conditions:
Tuberous sclerosis syndrome (TSC). Also called: Tuberous Sclerosis Complex; Tuberous sclerosis. Identifiers: Orphanet 805, MedGen C0041341, MONDO:0001734.
Hereditary cancer-predisposing syndrome. Also called: Hereditary neoplastic syndrome; Tumor predisposition; Neoplastic Syndromes, Hereditary; Hereditary Cancer Syndrome. Identifiers: Orphanet 140162, MedGen C0027672, MeSH D009386, MONDO:0015356.

Submissions (2):

All of Us Research Program, National Institutes of Health
Classification: Uncertain significance for Tuberous sclerosis syndrome. Last evaluated: 2023-04-03. Review status: criteria provided, single submitter. Criteria: ACMG Guidelines, 2015. Collection method: clinical testing. Allele origin: germline. Inheritance: Autosomal dominant inheritance. Observed: 1 variant allele, 1 heterozygote.
Comment: This missense variant replaces serine with threonine at codon 53 of the TSC1 protein. Computational prediction suggests that this variant may not impact protein structure and function (internally defined REVEL score threshold <= 0.5, PMID: 27666373). To our knowledge, functional studies have not been reported for this variant. This variant has not been reported in individuals affected with TSC1-related disorders in the literature. This variant has not been identified in the general population by the Genome Aggregation Database (gnomAD). The available evidence is insufficient to determine the role of this variant in disease conclusively. Therefore, this variant is classified as a Variant of Uncertain Significance.

This study involves interpretation of variants in research participants for the purpose of population health screening. Participant phenotype was not available at the time of variant classification. Additional details can be found in publication PMID: 35346344, PMCID: PMC8962531

Ambry Genetics
Classification: Uncertain significance for Hereditary cancer-predisposing syndrome. Last evaluated: 2022-11-10. Review status: criteria provided, single submitter. Criteria: Ambry Variant Classification Scheme 2023. Collection method: clinical testing. Allele origin: germline.
Comment: The p.S53T variant (also known as c.158G>C), located in coding exon 2 of the TSC1 gene, results from a G to C substitution at nucleotide position 158. The serine at codon 53 is replaced by threonine, an amino acid with similar properties. This amino acid position is conserved. In addition, this alteration is predicted to be tolerated by in silico analysis. Since supporting evidence is limited at this time, the clinical significance of this alteration remains unclear.

NM_000368.5(TSC1):c.158G>C (p.Ser53Thr)

Gene: TSC1 (TSC complex subunit 1; minus strand). Cytogenetic location: 9q34.13.
Variant type: single nucleotide variant.
Coding change: c.158G>C on transcript NM_000368.5 (MANE Select); coding-DNA position 158, G replaced by C.
Protein change: p.Ser53Thr; replaces serine 53 with threonine.
Molecular consequence: missense variant. On other transcripts: 5 prime UTR variant (9), non-coding transcript variant (4), intron variant (9).
Genome position (GRCh38, 1-based): chr9:132,927,253, C>G on the plus strand (G>C on the coding strand, the complement: TSC1 is on the minus strand). VCF-style: chr9-132927253-C-G. GRCh37 (hg19) VCF-style: chr9-135802640-C-G.
Other names: c.158G>C, p.Ser53Thr (NM_001406606.1, NM_001406607.1, NM_001406608.1 and 21 more transcripts); c.-331G>C (NM_001406615.1, NM_001406623.1); c.-298G>C (NM_001406616.1, NM_001406624.1); c.-720G>C (NM_001406626.1, NM_001406627.1, NM_001406628.1); c.-862G>C (NM_001406629.1); c.-936G>C (NM_001406630.1); c.-153-1514G>C (NM_001406620.1, NM_001406618.1); c.-154+1514G>C (NM_001406625.1, NM_001406621.1, NM_001406617.1 and 3 more transcripts); and 1 more; short protein forms S53T.
Identifiers: ClinVar variation 2447865 (VCV002447865.3), dbSNP rs1588359592, ClinGen allele CA375375131.